The following is an entry in ClinVar:

ClinVar aggregate classification (germline): Uncertain significance (1 of 4 stars; one submission).

Conditions:
Colorectal cancer, hereditary nonpolyposis, type 7. Identifiers: Orphanet 144, MedGen C1858380, MONDO:0013725, OMIM 614385.

gnomAD v4.1: 1 of 1,614,092 alleles (0.000062%); highest among the groups gnomAD compares: South Asian, 0.0011%; no homozygotes.

Submission:

Labcorp Genetics (formerly Invitae), Labcorp
Classification: Uncertain significance for Colorectal cancer, hereditary nonpolyposis, type 7. Last evaluated: 2024-12-19. Review status: criteria provided, single submitter. Criteria: Invitae Variant Classification Sherloc (09022015). Collection method: clinical testing. Allele origin: germline.
Comment: This sequence change replaces cysteine, which is neutral and slightly polar, with tryptophan, which is neutral and slightly polar, at codon 312 of the MLH3 protein (p.Cys312Trp). This variant is not present in population databases (gnomAD no frequency). This variant has not been reported in the literature in individuals affected with MLH3-related conditions. An algorithm developed to predict the effect of missense changes on protein structure and function (PolyPhen-2) suggests that this variant is likely to be disruptive. In summary, the available evidence is currently insufficient to determine the role of this variant in disease. Therefore, it has been classified as a Variant of Uncertain Significance.

NM_001040108.2(MLH3):c.936C>G (p.Cys312Trp)

Gene: MLH3 (mutL homolog 3; minus strand). Cytogenetic location: 14q24.3.
Variant type: single nucleotide variant.
Coding change: c.936C>G on transcript NM_001040108.2 (MANE Select); coding-DNA position 936, C replaced by G.
Protein change: p.Cys312Trp; replaces cysteine 312 with tryptophan.
Molecular consequence: missense variant.
Genome position (GRCh38, 1-based): chr14:75,048,720, G>C on the plus strand (C>G on the coding strand, the complement: MLH3 is on the minus strand). VCF-style: chr14-75048720-G-C. GRCh37 (hg19) VCF-style: chr14-75515423-G-C.
Other names: c.936C>G, p.Cys312Trp (NM_014381.3); short protein forms C312W.
Identifiers: ClinVar variation 3617166 (VCV003617166.2).